The following is an entry in ClinVar:

ClinVar aggregate classification (germline): Uncertain significance. Review status: criteria provided, multiple submitters, no conflicts (2 of 4 stars). 2 submissions from 2 submitters: Uncertain significance (2). Last evaluated 2026-04-02.

Conditions:
Primary immunodeficiency with post-measles-mumps-rubella vaccine viral infection. Also called: Immunodeficiency 44. Identifiers: Orphanet 431166, MedGen C4225260, MONDO:0014715, OMIM 616636.

Allele frequency attached by ClinVar (database versions not stated): gnomAD exomes 0.00002 and 0.00008; ExAC 0.00010; 1000 Genomes Project 30x 0.00016; 1000 Genomes Project 0.00020; TOPMed 0.00026; gnomAD 0.00029 and 0.00033; ESP Exome Variant Server 0.00038.

Submissions (2):

Women's Health and Genetics/Laboratory Corporation of America, LabCorp
Classification: Uncertain significance. Last evaluated: 2026-04-02. Review status: criteria provided, single submitter. Criteria: LabCorp Variant Classification Summary - May 2015. Collection method: clinical testing. Allele origin: germline.
Comment: Variant summary: STAT2 c.737G>C (p.Cys246Ser) results in a non-conservative amino acid change in the encoded protein sequence. Algorithms developed to predict the effect of missense changes on protein structure and function are either unavailable or do not agree on the potential impact of this missense change. The variant allele was found at a frequency of 8e-05 in 251480 control chromosomes. This frequency is not significantly higher than estimated for disease-causing variants in STAT2, allowing no conclusion about variant significance. To our knowledge, no occurrence of c.737G>C in individuals affected with STAT2-related conditions and no experimental evidence demonstrating its impact on protein function have been reported. ClinVar contains an entry for this variant (Variation ID: 854611). Based on the evidence outlined above, the variant was classified as uncertain significance.

Labcorp Genetics (formerly Invitae), Labcorp
Classification: Uncertain significance for Primary immunodeficiency with post-measles-mumps-rubella vaccine viral infection. Last evaluated: 2022-07-26. Review status: criteria provided, single submitter. Criteria: Invitae Variant Classification Sherloc (09022015). Collection method: clinical testing. Allele origin: germline.
Comment: This sequence change replaces cysteine, which is neutral and slightly polar, with serine, which is neutral and polar, at codon 246 of the STAT2 protein (p.Cys246Ser). This variant is present in population databases (rs2228259, gnomAD 0.1%). This variant has not been reported in the literature in individuals affected with STAT2-related conditions. ClinVar contains an entry for this variant (Variation ID: 854611). Advanced modeling of protein sequence and biophysical properties (such as structural, functional, and spatial information, amino acid conservation, physicochemical variation, residue mobility, and thermodynamic stability) performed at Invitae indicates that this missense variant is expected to disrupt STAT2 protein function. In summary, the available evidence is currently insufficient to determine the role of this variant in disease. Therefore, it has been classified as a Variant of Uncertain Significance.

NM_005419.4(STAT2):c.737G>C (p.Cys246Ser)

Gene: STAT2 (signal transducer and activator of transcription 2; minus strand). Cytogenetic location: 12q13.3.
Variant type: single nucleotide variant.
Coding change: c.737G>C on transcript NM_005419.4 (MANE Select); coding-DNA position 737, G replaced by C.
Protein change: p.Cys246Ser; replaces cysteine 246 with serine.
Molecular consequence: missense variant.
Genome position (GRCh38, 1-based): chr12:56,354,511, C>G on the plus strand (G>C on the coding strand, the complement: STAT2 is on the minus strand). VCF-style: chr12-56354511-C-G. GRCh37 (hg19) VCF-style: chr12-56748295-C-G.
Other names: c.725G>C, p.Cys242Ser (NM_198332.2); short protein forms C246S, C242S.
Identifiers: ClinVar variation 854611 (VCV000854611.6), dbSNP rs2228259, ClinGen allele CA6630774.